The following is an entry in ClinVar:

NM_001134673.4(NFIA):c.645C>G (p.Asp215Glu)

Gene: NFIA (nuclear factor I A; plus strand). Cytogenetic location: 1p31.3.
Variant type: single nucleotide variant.
Coding change: c.645C>G on transcript NM_001134673.4 (MANE Select); coding-DNA position 645, C replaced by G.
Protein change: p.Asp215Glu; replaces aspartic acid 215 with glutamic acid.
Molecular consequence: missense variant.
Genome position (GRCh38, 1-based): chr1:61,332,531, C>G. VCF-style: chr1-61332531-C-G. GRCh37 (hg19) VCF-style: chr1-61798203-C-G.
Other names: c.621C>G, p.Asp207Glu (NM_001145511.2); c.780C>G, p.Asp260Glu (NM_001145512.2); c.645C>G, p.Asp215Glu (NM_005595.5); short protein forms D260E, D207E, D215E.
Identifiers: ClinVar variation 4776239 (VCV004776239.1).
Genomic context (GRCh38, chr1:61,332,531, plus strand): 5'-TATTTATGACACTTTGTTTTCTTTTGTTTTTGTTTCCCCAGGACATTTGGGCTTCCAGGA[C>G]AGTTTTGTCACATCAGGTGTTTTTAGTGTCACTGAGCTAGTAAGAGTGTCACAGAGTAAG-3'
Protein context (NP_001128145.1, residues 205-225): QPENGHLGFQ[Asp215Glu]SFVTSGVFSV

ClinVar aggregate classification (germline): Uncertain significance (1 of 4 stars; one submission).

gnomAD v4.1: 7 of 1,613,794 alleles (0.00043%); highest among the groups gnomAD compares: African/African-American, 0.0067%; no homozygotes.

Submission:

Labcorp Genetics (formerly Invitae), Labcorp
Classification: Uncertain significance. Last evaluated: 2026-02-02. Review status: criteria provided, single submitter. Criteria: Invitae Variant Classification Sherloc (09022015). Collection method: clinical testing. Allele origin: germline.
Comment: This sequence change replaces aspartic acid, which is acidic and polar, with glutamic acid, which is acidic and polar, at codon 215 of the NFIA protein (p.Asp215Glu). The frequency data for this variant in the population databases is considered unreliable, as metrics indicate poor data quality at this position in the gnomAD database. This variant has not been reported in the literature in individuals affected with NFIA-related conditions. An algorithm developed to predict the effect of missense changes on protein structure and function (PolyPhen-2) suggests that this variant is likely to be tolerated. In summary, the available evidence is currently insufficient to determine the role of this variant in disease. Therefore, it has been classified as a Variant of Uncertain Significance.